The following is an entry in ClinVar:

ClinVar aggregate classification (germline): Uncertain significance. Review status: criteria provided, multiple submitters, no conflicts (2 of 4 stars). 4 submissions from 4 submitters: Uncertain significance (4). Last evaluated 2025-05-27.

Conditions:
Inborn genetic diseases. Identifiers: MedGen C0950123, MeSH D030342.
Developmental and epileptic encephalopathy, 18 (DEE18). Also called: Early infantile epileptic encephalopathy 18. Identifiers: Orphanet 369894, MedGen C3809624, MONDO:0014201, OMIM 615476.

Allele frequency attached by ClinVar (database versions not stated): gnomAD exomes below 0.00001; gnomAD 0.00002; TOPMed 0.00003.
gnomAD v4.1: 8 of 1,597,968 alleles (0.0005%); highest among the groups gnomAD compares: African/African-American, 0.0067%; no homozygotes.

Submissions (4):

Labcorp Genetics (formerly Invitae), Labcorp
Classification: Uncertain significance. Last evaluated: 2025-05-27. Review status: criteria provided, single submitter. Criteria: Invitae Variant Classification Sherloc (09022015). Collection method: clinical testing. Allele origin: germline.
Comment: This sequence change replaces tyrosine, which is neutral and polar, with histidine, which is basic and polar, at codon 187 of the SZT2 protein (p.Tyr187His). This variant is present in population databases (no rsID available, gnomAD 0.004%). This variant has not been reported in the literature in individuals affected with SZT2-related conditions. ClinVar contains an entry for this variant (Variation ID: 587919). Invitae Evidence Modeling of protein sequence and biophysical properties (such as structural, functional, and spatial information, amino acid conservation, physicochemical variation, residue mobility, and thermodynamic stability) indicates that this missense variant is not expected to disrupt SZT2 protein function with a negative predictive value of 80%. In summary, the available evidence is currently insufficient to determine the role of this variant in disease. Therefore, it has been classified as a Variant of Uncertain Significance.

GeneDx
Classification: Uncertain significance. Last evaluated: 2023-04-11. Review status: criteria provided, single submitter. Criteria: GeneDx Variant Classification Process June 2021. Collection method: clinical testing. Allele origin: germline. Affected: yes.
Comment: Not observed at a significant frequency in large population cohorts (gnomAD); In silico analysis supports that this missense variant does not alter protein structure/function; Has not been previously published as pathogenic or benign to our knowledge

Genome-Nilou Lab
Classification: Uncertain significance for Developmental and epileptic encephalopathy, 18. Last evaluated: 2023-04-11. Review status: criteria provided, single submitter. Criteria: ACMG Guidelines, 2015. Collection method: clinical testing. Allele origin: germline. Affected: no.

Ambry Genetics
Classification: Uncertain significance for Inborn genetic diseases. Last evaluated: 2016-05-17. Review status: criteria provided, single submitter. Criteria: Ambry Variant Classification Scheme 2023. Collection method: clinical testing. Allele origin: germline.
Comment: The p.Y187H variant (also known as c.559T>C), located in coding exon 5 of the SZT2 gene, results from a T to C substitution at nucleotide position 559. The tyrosine at codon 187 is replaced by histidine, an amino acid with similar properties. This variant was not reported in population based cohorts in the following databases: Database of Single Nucleotide Polymorphisms (dbSNP), NHLBI Exome Sequencing Project (ESP), and 1000 Genomes Project. In the ESP, this variant was not observed in 2867 samples (5734 alleles) with coverage at this position. This amino acid position is highly conserved in available vertebrate species. In addition, this alteration is predicted to be tolerated by in silico analysis. Since supporting evidence is limited at this time, the clinical significance of this variant remains unclear.

NM_001365999.1(SZT2):c.559T>C (p.Tyr187His)

Gene: SZT2 (SZT2 subunit of KICSTOR complex; plus strand). Cytogenetic location: 1p34.2.
Variant type: single nucleotide variant.
Coding change: c.559T>C on transcript NM_001365999.1 (MANE Select); coding-DNA position 559, T replaced by C.
Protein change: p.Tyr187His; replaces tyrosine 187 with histidine.
Molecular consequence: missense variant.
Genome position (GRCh38, 1-based): chr1:43,415,142, T>C. VCF-style: chr1-43415142-T-C. GRCh37 (hg19) VCF-style: chr1-43880813-T-C.
Other names: c.559T>C, p.Tyr187His (NM_015284.4); short protein forms Y187H.
Identifiers: ClinVar variation 587919 (VCV000587919.17), dbSNP rs970588679, ClinGen allele CA21625858.
Genomic context (GRCh38, chr1:43,415,142, plus strand): 5'-GTGCTGGTACAGGGCTGCCTCTTGGACCCTTCCCAGCGGGAGGTGTTCCTGCAGCAGATA[T>C]ATGAGCAGCTCTGCCTCTTTGAGGATAAGGTGGCCACCATGCTGCAGCAGCAGTACGATC-3'
Protein context (NP_001352928.1, residues 177-197): SQREVFLQQI[Tyr187His]EQLCLFEDKV